The following is an entry in ClinVar:

ClinVar aggregate classification (germline): Pathogenic. Review status: criteria provided, multiple submitters, no conflicts (2 of 4 stars). 2 submissions from 2 submitters: Pathogenic (2). Last evaluated 2024-12-26.

Conditions:
Inborn genetic diseases. Identifiers: MedGen C0950123, MeSH D030342.

Submissions (2):

GeneDx
Classification: Pathogenic. Last evaluated: 2024-12-26. Review status: criteria provided, single submitter. Criteria: GeneDx Variant Classification Process June 2021. Collection method: clinical testing. Allele origin: germline. Affected: yes.
Comment: Reported in the heterozygous state in a patient with Ullrich congenital muscular dystrophy in published literature (PMID: 15689448); Canonical splice site variant predicted to result in an in-frame loss of the adjacent exon in a gene for which loss of function is a known mechanism of disease; Not observed at significant frequency in large population cohorts (gnomAD); This variant is associated with the following publications: (PMID: 25525159, 15689448, 33441455, 25204870, 38065855, 28182637, 34167565)

Ambry Genetics
Classification: Pathogenic for Inborn genetic diseases. Last evaluated: 2015-10-28. Review status: criteria provided, single submitter. Criteria: Ambry exome assertion method (8-5-2015). Collection method: clinical testing. Allele origin: germline. Affected: yes. Observed: 1 variant allele.

Literature cited by the submitters: PubMed 15689448 (cited by Ambry Genetics); PubMed 25204870 (cited by Ambry Genetics).

NM_001849.4(COL6A2):c.955-2A>G

Gene: COL6A2 (collagen type VI alpha 2 chain; plus strand). Cytogenetic location: 21q22.3.
Variant type: single nucleotide variant.
Coding change: c.955-2A>G on transcript NM_001849.4 (MANE Select); the canonical splice acceptor site of the intron before coding-DNA position 955, A replaced by G.
Molecular consequence: splice acceptor variant.
Genome position (GRCh38, 1-based): chr21:46,116,768, A>G. VCF-style: chr21-46116768-A-G. GRCh37 (hg19) VCF-style: chr21-47536682-A-G.
Other names: c.955-2A>G (NM_058175.3, NM_058174.3).
Identifiers: ClinVar variation 520800 (VCV000520800.5), dbSNP rs1555873084, ClinGen allele CA410527125.